The following is an entry in ClinVar:

ClinVar aggregate classification (germline): Likely pathogenic (1 of 4 stars; one submission).

Conditions:
Hereditary factor VIII deficiency disease (HEMA). Also called: HEMOPHILIA, CLASSIC; AUTOSOMAL HEMOPHILIA A; Hemophilia A; Hemophilia A, congenital; HEM A; Factor 8 deficiency, congenital. Identifiers: Orphanet 98878, MedGen C0019069, MONDO:0010602, OMIM 306700.

Submissions (2):

ARUP Laboratories, Molecular Genetics and Genomics, ARUP Laboratories
Classification: Likely pathogenic for Hereditary factor VIII deficiency disease. Last evaluated: 2020-11-23. Review status: criteria provided, single submitter. Criteria: ARUP Molecular Germline Variant Investigation Process 2021. Collection method: clinical testing. Allele origin: germline.
Comment: The F8 c.6550G>C; p.Glu2184Gln variant, also known as p.Glu2165Gln, is reported in the literature in at least one individual affected with moderate hemophilia A (Debeljak 2012). This variant is absent from general population databases (Exome Variant Server, Genome Aggregation Database), indicating it is not a common polymorphism. The glutamic acid at codon 2184 is highly conserved, and computational analyses predict that this variant is deleterious (REVEL: 0.956). Additionally, other amino acid substitutions at this codon (Lys, Ala, Gly, Val) have been reported in individuals with moderate hemophilia A (see link to FVIII database and references therein). Based on available information, the p.Glu2184Gln variant is considered to be likely pathogenic. References: Link to FVIII database: Debeljak M et al. Spectrum of F8 gene mutations in haemophilia A patients from Slovenia. Haemophilia. 2012 Nov;18(6):e420-3.

Dr. Peter K. Rogan Lab, Western University
No classification provided (evidence only). Condition: Thyroid cancer, nonmedullary, 1. Review status: no classification provided. Collection method: in vitro. Allele origin: not applicable. Functional consequence: retained intron. Not counted in ClinVar's aggregate classification.

NM_000132.4(F8):c.6550G>C (p.Glu2184Gln)

Gene: F8 (coagulation factor VIII; minus strand). Cytogenetic location: Xq28.
Variant type: single nucleotide variant.
Coding change: c.6550G>C on transcript NM_000132.4 (MANE Select); coding-DNA position 6550, G replaced by C.
Protein change: p.Glu2184Gln; replaces glutamic acid 2184 with glutamine.
Molecular consequence: missense variant.
Genome position (GRCh38, 1-based): chrX:154,863,107, C>G on the plus strand (G>C on the coding strand, the complement: F8 is on the minus strand). VCF-style: chrX-154863107-C-G. GRCh37 (hg19) VCF-style: chrX-154091382-C-G.
Other names: c.145G>C, p.Glu49Gln (NM_019863.3); short protein forms E2184Q, E49Q.
Identifiers: ClinVar variation 1330511 (VCV001330511.8), dbSNP rs2148568062, ClinGen allele CA414907033.